The following is an entry in ClinVar:

ClinVar aggregate classification (germline): Benign. Review status: criteria provided, multiple submitters, no conflicts (2 of 4 stars). 5 submissions from 5 submitters: Benign (4). 1 of the submissions does not count toward it. Last evaluated 2026-02-02.

Conditions:
Compton-North congenital myopathy (CMYO12). Identifiers: Orphanet 210163, MedGen C2675527, MONDO:0012929, OMIM 612540.

Allele frequency attached by ClinVar (database versions not stated): ESP Exome Variant Server 0.01030; 1000 Genomes Project 30x 0.01031; TOPMed 0.01058; gnomAD exomes 0.00238; ExAC 0.00273; gnomAD 0.00913 and 0.00972; 1000 Genomes Project 0.00919.
gnomAD v4.1: 2,668 of 1,613,580 alleles (0.17%); highest among the groups gnomAD compares: African/African-American, 3.1%; 38 homozygotes.

Submissions (5):

Labcorp Genetics (formerly Invitae), Labcorp
Classification: Benign for Compton-North congenital myopathy. Last evaluated: 2026-02-02. Review status: criteria provided, single submitter. Criteria: Invitae Variant Classification Sherloc (09022015). Collection method: clinical testing. Allele origin: germline.

GeneDx
Classification: Benign. Last evaluated: 2017-05-15. Review status: criteria provided, single submitter. Criteria: GeneDx Variant Classification (06012015). Collection method: clinical testing. Allele origin: germline. Affected: yes.
Comment: This variant is considered likely benign or benign based on one or more of the following criteria: it is a conservative change, it occurs at a poorly conserved position in the protein, it is predicted to be benign by multiple in silico algorithms, and/or has population frequency not consistent with disease.

Breakthrough Genomics
Classification: Benign. Review status: criteria provided, single submitter. Criteria: ACMG Guidelines, 2015. Collection method: not provided. Allele origin: germline. Inheritance: Autosomal recessive inheritance. Affected: yes.

PreventionGenetics, part of Exact Sciences
Classification: Benign. Review status: criteria provided, single submitter. Criteria: ACMG Guidelines, 2015. Collection method: clinical testing. Allele origin: germline.

Genetic Services Laboratory, University of Chicago
Classification: Likely benign for AllHighlyPenetrant. Review status: no assertion criteria provided. Collection method: clinical testing. Allele origin: germline. Inheritance: Autosomal recessive inheritance. Not counted in ClinVar's aggregate classification.
Comment: Likely benign based on allele frequency in 1000 Genomes Project or ESP global frequency and its presence in a patient with a rare or unrelated disease phenotype. NOT Sanger confirmed.

NM_001843.4(CNTN1):c.2670A>T (p.Gly890=)

Gene: CNTN1 (contactin 1; plus strand). Cytogenetic location: 12q12.
Variant type: single nucleotide variant.
Coding change: c.2670A>T on transcript NM_001843.4 (MANE Select); coding-DNA position 2670, A replaced by T.
Protein change: p.Gly890=; no amino-acid change (glycine 890 retained).
Molecular consequence: synonymous variant.
Genome position (GRCh38, 1-based): chr12:41,025,296, A>T. VCF-style: chr12-41025296-A-T. GRCh37 (hg19) VCF-style: chr12-41419098-A-T.
Other names: c.2637A>T, p.Gly879= (NM_175038.2).
Identifiers: ClinVar variation 128796 (VCV000128796.23), dbSNP rs34346038, ClinGen allele CA152448.